The following is an entry in ClinVar:

NC_000007.13:g.(117199710_117227792)_(117227888_117230406)dup

Gene: CFTR (CF transmembrane conductance regulator; plus strand). Cytogenetic location: 7q31.2.
Variant type: Duplication.
Identifiers: ClinVar variation 2682355 (VCV002682355.1).

ClinVar aggregate classification (germline): Likely pathogenic (1 of 4 stars; one submission).

Conditions:
Cystic fibrosis (CF). Also called: MUCOVISCIDOSIS. Identifiers: Orphanet 586, MedGen C0010674, MONDO:0009061, OMIM 219700. Disease mechanism: loss of function.

Submission:

Women's Health and Genetics/Laboratory Corporation of America, LabCorp
Classification: Likely pathogenic for Cystic fibrosis. Last evaluated: 2023-11-07. Review status: criteria provided, single submitter. Criteria: LabCorp Variant Classification Summary - May 2015. Collection method: clinical testing. Allele origin: germline.
Comment: Variant summary: The variant involves the duplication of exon 12 in the CFTR gene. A presumed nomenclature of c.(1584+1_1585-1)_(1679+1_1680-1)dup has been designated for the purposes of this classification. It is assumed to be a tandem duplication in direct orientation (Richardson_GIM_2018, Newman_AJHG_2015). This Copy Number Variant (CNV) is expected to alter the reading frame and predicted to result in a truncation or absence of the encoded protein due to nonsense mediated decay (NMD). The variant was absent in 21694 control chromosomes. The available data on variant occurrences in the general population are insufficient to allow any conclusion about variant significance. To our knowledge, no occurrence of c.(1584+1_1585-1)_(1679+1_1680-1)dup in individuals affected with Cystic Fibrosis and no experimental evidence demonstrating its impact on protein function have been reported. No submitters have cited clinical-significance assessments for this variant to ClinVar after 2014. Based on the evidence outlined above, the variant was classified as likely pathogenic.